The following is an entry in ClinVar:

ClinVar aggregate classification (germline): Likely pathogenic. Review status: criteria provided, multiple submitters, no conflicts (2 of 4 stars). 3 submissions from 3 submitters: Likely pathogenic (2). 1 of the submissions does not count toward it. Last evaluated 2026-07-01.

Conditions:
Classic homocystinuria. Also called: Homocystinuria due to Cystathionine Beta-Synthase Deficiency; HOMOCYSTINURIA WITH OR WITHOUT RESPONSE TO PYRIDOXINE; Homocystinuria due to CBS deficiency; Cystathionine beta-synthase deficiency; CBS deficiency. Identifiers: Orphanet 394, MedGen C0751202, MONDO:0009352, OMIM 236200.
HYPERHOMOCYSTEINEMIA, THROMBOTIC, CBS-RELATED. Identifiers: MedGen C3150344, OMIM 236200.

Submissions (3):

GeneDx
Classification: Likely pathogenic. Last evaluated: 2026-07-01. Review status: criteria provided, single submitter. Criteria: GeneDx Variant Classification Process June 2021. Collection method: clinical testing. Allele origin: germline.
Comment: Not observed at significant frequency in large population cohorts (gnomAD); In silico analysis supports that this missense variant has a deleterious effect on protein structure/function; Has not been previously published as pathogenic or benign to our knowledge

Labcorp Genetics (formerly Invitae), Labcorp
Classification: Likely pathogenic for HYPERHOMOCYSTEINEMIA, THROMBOTIC, CBS-RELATED. Last evaluated: 2024-09-19. Review status: criteria provided, single submitter. Criteria: Invitae Variant Classification Sherloc (09022015). Collection method: clinical testing. Allele origin: germline.
Comment: This sequence change replaces aspartic acid, which is acidic and polar, with glycine, which is neutral and non-polar, at codon 120 of the CBS protein (p.Asp120Gly). This variant is not present in population databases (gnomAD no frequency). This missense change has been observed in individuals with clinical features of CBS deficiency (internal data). ClinVar contains an entry for this variant (Variation ID: 1041073). Invitae Evidence Modeling of protein sequence and biophysical properties (such as structural, functional, and spatial information, amino acid conservation, physicochemical variation, residue mobility, and thermodynamic stability) indicates that this missense variant is expected to disrupt CBS protein function with a positive predictive value of 95%. In summary, the currently available evidence indicates that the variant is pathogenic, but additional data are needed to prove that conclusively. Therefore, this variant has been classified as Likely Pathogenic.

Natera, Inc.
Classification: Uncertain significance for Homocystinuria due to cystathionine beta-synthase deficiency. Last evaluated: 2021-07-13. Review status: no assertion criteria provided. Collection method: clinical testing. Allele origin: germline. Not counted in ClinVar's aggregate classification.

NM_000071.3(CBS):c.359A>G (p.Asp120Gly)

Gene: CBS (cystathionine beta-synthase; minus strand). Cytogenetic location: 21q22.3.
Variant type: single nucleotide variant.
Coding change: c.359A>G on transcript NM_000071.3 (MANE Select); coding-DNA position 359, A replaced by G.
Protein change: p.Asp120Gly; replaces aspartic acid 120 with glycine.
Molecular consequence: missense variant.
Genome position (GRCh38, 1-based): chr21:43,066,335, T>C on the plus strand (A>G on the coding strand, the complement: CBS is on the minus strand). VCF-style: chr21-43066335-T-C. GRCh37 (hg19) VCF-style: chr21-44486445-T-C.
Other names: c.359A>G, p.Asp120Gly (NM_001178008.3, NM_001178009.3, NM_001320298.2); c.44A>G, p.Asp15Gly (NM_001321072.1); c.359A>G (NM_000071.2); short protein forms D120G, D15G.
Identifiers: ClinVar variation 1041073 (VCV001041073.11), dbSNP rs1982750491, ClinGen allele CA410601870.
Genomic context (GRCh38, chr21:43,066,335, plus strand): 5'-TCCCCGGGCTTCAGCGTCCCGTCGCGCTCAGCATCCTCAATCATCCGCAGGCTGATGCGG[T>C]CCTTCACGCTCCCGCCCGCGTTGAAGAACTCACACTTGGCCACTGGGAGGCAGAGATGAA-3'
Protein context (NP_000062.1, residues 110-130): EFFNAGGSVK[Asp120Gly]RISLRMIEDA